The following is an entry in ClinVar:

NM_000135.4(FANCA):c.2417C>T (p.Pro806Leu)

Gene: FANCA (FA complementation group A; minus strand). Cytogenetic location: 16q24.3.
Variant type: single nucleotide variant.
Coding change: c.2417C>T on transcript NM_000135.4 (MANE Select); coding-DNA position 2417, C replaced by T.
Protein change: p.Pro806Leu; replaces proline 806 with leucine.
Molecular consequence: missense variant.
Genome position (GRCh38, 1-based): chr16:89,769,924, G>A on the plus strand (C>T on the coding strand, the complement: FANCA is on the minus strand). VCF-style: chr16-89769924-G-A. GRCh37 (hg19) VCF-style: chr16-89836332-G-A.
Other names: c.2417C>T (NM_000135.3, NM_000135.2); c.2417C>T, p.Pro806Leu (NM_001286167.3); short protein forms P806L.
Identifiers: ClinVar variation 1042931 (VCV001042931.11), dbSNP rs1352100383, ClinGen allele CA397443619.

ClinVar aggregate classification (germline): Conflicting classifications of pathogenicity. Review status: criteria provided, conflicting classifications (1 of 4 stars). 4 submissions from 4 submitters: Uncertain significance (2); Likely benign (1). 1 of the submissions does not count toward it. Last evaluated 2025-06-12.

Conditions:
Inborn genetic diseases. Identifiers: MedGen C0950123, MeSH D030342.
Fanconi anemia (FA). Also called: Fanconi's anemia. Identifiers: Orphanet 84, MedGen C0015625, MeSH D005199, MONDO:0019391.

Allele frequency attached by ClinVar (database versions not stated): TOPMed below 0.00001; gnomAD 0.00001; gnomAD exomes 0.00001.
gnomAD v4.1: 3 of 1,613,984 alleles (0.00019%); highest among the groups gnomAD compares: African/African-American, 0.0013%; no homozygotes.

Submissions (4):

Labcorp Genetics (formerly Invitae), Labcorp
Classification: Likely benign for Fanconi anemia. Last evaluated: 2025-06-12. Review status: criteria provided, single submitter. Criteria: Invitae Variant Classification Sherloc (09022015). Collection method: clinical testing. Allele origin: germline.

Ambry Genetics
Classification: Uncertain significance for Inborn genetic diseases. Last evaluated: 2024-11-17. Review status: criteria provided, single submitter. Criteria: Ambry Variant Classification Scheme 2023. Collection method: clinical testing. Allele origin: germline.
Comment: The p.P806L variant (also known as c.2417C>T), located in coding exon 26 of the FANCA gene, results from a C to T substitution at nucleotide position 2417. The proline at codon 806 is replaced by leucine, an amino acid with similar properties. This amino acid position is conserved. In addition, this alteration is predicted to be tolerated by in silico analysis. Based on the available evidence, the clinical significance of this variant remains unclear.

Quest Diagnostics Nichols Institute San Juan Capistrano
Classification: Uncertain significance. Last evaluated: 2023-03-03. Review status: criteria provided, single submitter. Criteria: Quest Diagnostics criteria. Collection method: clinical testing. Allele origin: unknown.
Comment: The variant has not been reported in the published literature. The frequency of this variant in the general population, 0.000008 (2/251106 chromosomes), is uninformative in assessment of its pathogenicity. Analysis of this variant using bioinformatics tools for the prediction of the effect of amino acid changes on protein structure and function yielded predictions that this variant is benign. Based on the available information, we are unable to determine the clinical significance of this variant.

Natera, Inc.
Classification: Uncertain significance for Fanconi anemia. Last evaluated: 2020-07-15. Review status: no assertion criteria provided. Collection method: clinical testing. Allele origin: germline. Not counted in ClinVar's aggregate classification.